The following is an entry in ClinVar:

NM_000258.3(MYL3):c.445A>T (p.Met149Leu)

Gene: MYL3 (myosin light chain 3; minus strand). Cytogenetic location: 3p21.31.
Variant type: single nucleotide variant.
Coding change: c.445A>T on transcript NM_000258.3 (MANE Select); coding-DNA position 445, A replaced by T.
Protein change: p.Met149Leu; replaces methionine 149 with leucine.
Molecular consequence: missense variant.
Genome position (GRCh38, 1-based): chr3:46,859,511, T>A on the plus strand (A>T on the coding strand, the complement: MYL3 is on the minus strand). VCF-style: chr3-46859511-T-A. GRCh37 (hg19) VCF-style: chr3-46901001-T-A.
Other names: c.445A>T, p.Met149Leu (NM_001406937.1, NM_001406938.1, NM_001406939.1); c.271A>T, p.Met91Leu (NM_001406940.1, NM_001406941.1); short protein forms M91L, M149L.
Identifiers: ClinVar variation 3915727 (VCV003915727.1).
Genomic context (GRCh38, chr3:46,859,511, plus strand): 5'-GGTAGGGGAGGAGGCTGCCCTCACCCAGCGTGGCCAGCACGTGGCGAAGCTCAGCACCCA[T>A]GACAGTGCCATTGCCCTCCTTGTCGAAGACCCGCAGCCCCTCCACGAAGTCCTCATAGGT-3'
Protein context (NP_000249.1, residues 139-159): VFDKEGNGTV[Met149Leu]GAELRHVLAT

ClinVar aggregate classification (germline): Uncertain significance (1 of 4 stars; one submission).

Conditions:
Cardiovascular phenotype. Identifiers: MedGen CN230736.

Submission:

Ambry Genetics
Classification: Uncertain significance for Cardiovascular phenotype. Last evaluated: 2025-06-10. Review status: criteria provided, single submitter. Criteria: Ambry Variant Classification Scheme 2023. Collection method: clinical testing. Allele origin: germline.
Comment: The p.M149L variant (also known as c.445A>T), located in coding exon 4 of the MYL3 gene, results from an A to T substitution at nucleotide position 445. The methionine at codon 149 is replaced by leucine, an amino acid with highly similar properties. This amino acid position is highly conserved in available vertebrate species. In addition, this alteration is predicted to be deleterious by in silico analysis. Based on the available evidence, the clinical significance of this variant remains unclear.